The following is an entry in ClinVar:

NM_000492.4(CFTR):c.853A>T (p.Ile285Phe)

Gene: CFTR (CF transmembrane conductance regulator; plus strand). Cytogenetic location: 7q31.2.
Variant type: single nucleotide variant.
Coding change: c.853A>T on transcript NM_000492.4 (MANE Select); coding-DNA position 853, A replaced by T.
Protein change: p.Ile285Phe; replaces isoleucine 285 with phenylalanine.
Molecular consequence: missense variant.
Genome position (GRCh38, 1-based): chr7:117,536,657, A>T. VCF-style: chr7-117536657-A-T. GRCh37 (hg19) VCF-style: chr7-117176711-A-T.
Other names: short protein forms I285F.
Identifiers: ClinVar variation 35892 (VCV000035892.31), dbSNP rs151073129, ClinGen allele CA325714.

ClinVar aggregate classification (germline): Conflicting classifications of pathogenicity. Review status: criteria provided, conflicting classifications (1 of 4 stars). 13 submissions from 13 submitters: Uncertain significance (1); Benign (2); Likely benign (9). 1 of the submissions does not count toward it. Last evaluated 2026-02-04.

Conditions:
CFTR-related disorder (CFTR-RD). Also called: CFTR-related condition; CFTR-related disorders. Identifiers: MedGen C5924204, MONDO:7770004.
Congenital bilateral aplasia of vas deferens from CFTR mutation (CBAVD). Identifiers: Orphanet 48, MedGen C0403814, MONDO:0010178, OMIM 277180. Disease mechanism: loss of function.
Hereditary pancreatitis (PCTT). Also called: Hereditary chronic pancreatitis; PRSS1-Related Hereditary Pancreatitis. Identifiers: Orphanet 676, MedGen C0238339, MONDO:0008185, OMIM 167800.
Cystic fibrosis (CF). Also called: MUCOVISCIDOSIS. Identifiers: Orphanet 586, MedGen C0010674, MONDO:0009061, OMIM 219700. Disease mechanism: loss of function.
Bronchiectasis with or without elevated sweat chloride 1 (BESC1). Also called: Cystic Fibrosis-Like Syndrome. Identifiers: Orphanet 60033, MedGen C2749757, MONDO:0008887, OMIM 211400.

Allele frequency attached by ClinVar (database versions not stated): gnomAD exomes 0.00010 and 0.00033; ExAC 0.00041; 1000 Genomes Project 0.00120; 1000 Genomes Project 30x 0.00125; TOPMed 0.00129; ESP Exome Variant Server 0.00131; gnomAD 0.00132 and 0.00145.
gnomAD v4.1: 354 of 1,611,602 alleles (0.022%); highest among the groups gnomAD compares: African/African-American, 0.44%; 1 homozygote.

Submissions (13):

GeneDx
Classification: Uncertain significance. Last evaluated: 2026-02-04. Review status: criteria provided, single submitter. Criteria: GeneDx Variant Classification Process June 2021. Collection method: clinical testing. Allele origin: germline.
Comment: Published function studies do not demonstrate a significant effect on chloride transport (PMID: 38388235); In silico analysis supports that this missense variant has a deleterious effect on protein structure/function; This variant is associated with the following publications: (PMID: 34996830, 30996306, 16362824, 25087612, Banjar2024[CaseReport], 33946859, 40817859, 32026723, 15858154, 38388235)

Labcorp Genetics (formerly Invitae), Labcorp
Classification: Likely benign for Cystic fibrosis. Last evaluated: 2026-02-04. Review status: criteria provided, single submitter. Criteria: Invitae Variant Classification Sherloc (09022015). Collection method: clinical testing. Allele origin: germline.

ARUP Laboratories, Molecular Genetics and Genomics, ARUP Laboratories
Classification: Likely benign. Last evaluated: 2025-06-17. Review status: criteria provided, single submitter. Criteria: ARUP Molecular Germline Variant Investigation Process 2024. Collection method: clinical testing. Allele origin: germline.

Blueprint Genetics
Classification: Likely benign. Last evaluated: 2024-10-09. Review status: criteria provided, single submitter. Criteria: ACMG Guidelines, 2015. Collection method: clinical testing. Allele origin: germline.

Johns Hopkins Genomics, Johns Hopkins University
Classification: Likely benign for Cystic fibrosis. Last evaluated: 2023-07-14. Review status: criteria provided, single submitter. Criteria: ACMG Guidelines, 2015. Collection method: clinical testing. Allele origin: germline.

Ambry Genetics
Classification: Likely benign for Cystic fibrosis. Last evaluated: 2022-10-21. Review status: criteria provided, single submitter. Criteria: Ambry Variant Classification Scheme 2023. Collection method: clinical testing. Allele origin: germline.

Fulgent Genetics
Classification: Likely benign for Hereditary pancreatitis; Bronchiectasis with or without elevated sweat chloride 1; Cystic fibrosis; Congenital bilateral aplasia of vas deferens from CFTR mutation. Last evaluated: 2021-09-09. Review status: criteria provided, single submitter. Criteria: ACMG Guidelines, 2015. Collection method: clinical testing. Allele origin: unknown.

Quest Diagnostics Nichols Institute San Juan Capistrano
Classification: Likely benign. Last evaluated: 2021-08-25. Review status: criteria provided, single submitter. Criteria: Quest Diagnostics criteria. Collection method: clinical testing. Allele origin: unknown.

Women's Health and Genetics/Laboratory Corporation of America, LabCorp
Classification: Benign. Last evaluated: 2021-01-22. Review status: criteria provided, single submitter. Criteria: LabCorp Variant Classification Summary - May 2015. Collection method: clinical testing. Allele origin: germline.
Comment: Variant summary: CFTR c.853A>T (p.Ile285Phe) results in a non-conservative amino acid change located in the ABC transporter type 1, transmembrane domain (IPR011527) of the encoded protein sequence. Five of five in-silico tools predict a damaging effect of the variant on protein function. In contrast, a recently published in-silico tools based consensus classifier has predicted this variant to have a neutral impact (Michels_2019). The variant allele was found at a frequency of 0.00043 in 280644 control chromosomes, predominantly at a frequency of 0.0046 within the African subpopulation in the gnomAD database, including 1 homozygote. The combined allele frequency of the two most frequent pathogenic CF variants in Africans (i.e. c.2988+1G>A and p.F508del) that are found in up to 60% of all carriers (see in PMID 21474639) is 0.0038 in the gnomAD database. Therefore, the allele frequency of c.853A>T alone is much higher than combined frequency of the two most common pathogenic variants in the same subpopulation, supporting a benign role for this variant. The variant, c.853A>T, has been reported in the literature in an individual with chronic respiratory problems and a non-informative genotype (example, Schrijver 2005) and in an individual reportedly affected with Cystic Fibrosis also with a non-informative genotype (example, Pereira 2019). It was also reported in trans with a large CFTR promoter deletion in a presumably unaffected mother of a CF proband. The molecular diagnosis of CF in the proband was attributed to two other variants, namely the promoter deletion inherited from the mother and c.2988+1G>A inherited from the father (Hantash_2006). These reports do not provide unequivocal conclusions about association of the variant with Cystic Fibrosis. To our knowledge, no experimental evidence demonstrating an impact on protein function has been reported. Two clinical diagnostic laboratories have submitted clinical-significance assessments for this variant to ClinVar after 2014 without evidence for independent evaluation, and classified the variant as likely benign (n=2)/benign (n=1). Based on the evidence outlined above, the variant was classified as benign.

Sema4
Classification: Likely benign for Hereditary pancreatitis. Last evaluated: 2020-11-09. Review status: criteria provided, single submitter. Criteria: Sema4 Curation Guidelines. Collection method: curation. Allele origin: germline.

Mendelics
Classification: Benign for Cystic fibrosis. Last evaluated: 2019-05-28. Review status: criteria provided, single submitter. Criteria: Mendelics Assertion Criteria 2017. Collection method: clinical testing. Allele origin: unknown.

Eurofins Ntd Llc (ga)
Classification: Likely benign. Last evaluated: 2017-06-23. Review status: criteria provided, single submitter. Criteria: EGL Classification Definitions 2015. Collection method: clinical testing. Allele origin: germline. Observed: 6 variant alleles, 6 heterozygotes.

PreventionGenetics, part of Exact Sciences
Classification: Likely benign for CFTR-related condition. Last evaluated: 2023-01-27. Review status: no assertion criteria provided. Collection method: clinical testing. Allele origin: germline. Not counted in ClinVar's aggregate classification.
Comment: This variant is classified as likely benign based on ACMG/AMP sequence variant interpretation guidelines (Richards et al. 2015 PMID: 25741868, with internal and published modifications).

Literature cited by the submitters: PubMed 15858154 (cited by 5 submitters); PubMed 16362824 (cited by 3 submitters); PubMed 30996306 (cited by 3 submitters); PubMed 33946859 (cited by Johns Hopkins Genomics, Johns Hopkins University); PubMed 31808782 (cited by Quest Diagnostics Nichols Institute San Juan Capistrano and Women's Health and Genetics/Laboratory Corporation of America, LabCorp); PubMed 26471113 (cited by Quest Diagnostics Nichols Institute San Juan Capistrano and Women's Health and Genetics/Laboratory Corporation of America, LabCorp); PubMed 25735457 (cited by Quest Diagnostics Nichols Institute San Juan Capistrano and Women's Health and Genetics/Laboratory Corporation of America, LabCorp); PubMed 25087612 (cited by Quest Diagnostics Nichols Institute San Juan Capistrano and Women's Health and Genetics/Laboratory Corporation of America, LabCorp); PubMed 19810821 (cited by Quest Diagnostics Nichols Institute San Juan Capistrano and Women's Health and Genetics/Laboratory Corporation of America, LabCorp).